The following is an entry in ClinVar:

NM_025207.5(FLAD1):c.1121CTT[1] (p.Ser375del)

Gene: FLAD1 (flavin adenine dinucleotide synthetase 1; plus strand). Cytogenetic location: 1q21.3.
Variant type: Microsatellite.
Coding change: c.1121CTT[1] on transcript NM_025207.5 (MANE Select); one copy of the 3-base unit CTT starting at c.1121; the reference has two copies in a row; one copy, 3 bases deleted.
Protein change: p.Ser375del; deletes serine 375.
Molecular consequence: inframe deletion.
Genome position (GRCh38, 1-based): chr1:154,989,566-154,989,568, CTT deleted; deleting any 3 consecutive bases within chr1:154,989,562-154,989,568 gives the same sequence; the position shown is the placement nearest the transcript's 3' end. VCF-style (leftmost placement, unchanged base first): chr1-154989561-GTCT-G. GRCh37 (hg19) VCF-style: chr1-154962037-GTCT-G.
Other names: c.830CTT[1], p.Ser278del (NM_001184891.2, NM_201398.3); short protein forms S278del, S375del.
Identifiers: ClinVar variation 2417714 (VCV002417714.5), dbSNP rs1657772731, ClinGen allele CA2481097510.

ClinVar aggregate classification (germline): Uncertain significance (1 of 4 stars; one submission).

Submission:

Labcorp Genetics (formerly Invitae), Labcorp
Classification: Uncertain significance. Last evaluated: 2025-01-13. Review status: criteria provided, single submitter. Criteria: Invitae Variant Classification Sherloc (09022015). Collection method: clinical testing. Allele origin: germline.
Comment: This variant, c.1124_1126del, results in the deletion of 1 amino acid(s) of the FLAD1 protein (p.Ser375del), but otherwise preserves the integrity of the reading frame. This variant is not present in population databases (gnomAD no frequency). This variant has not been reported in the literature in individuals affected with FLAD1-related conditions. Experimental studies and prediction algorithms are not available or were not evaluated, and the functional significance of this variant is currently unknown. In summary, the available evidence is currently insufficient to determine the role of this variant in disease. Therefore, it has been classified as a Variant of Uncertain Significance.